The following is an entry in ClinVar:

ClinVar aggregate classification (germline): Likely benign. Review status: criteria provided, multiple submitters, no conflicts (2 of 4 stars). 4 submissions from 4 submitters: Likely benign (3). 1 of the submissions does not count toward it. Last evaluated 2026-04-01.

Conditions:
Long QT syndrome (LQTS). Identifiers: MedGen C0023976, MeSH D008133, MONDO:0002442. Disease mechanism: loss of function. Inheritance: Various modes of inheritance.
KCNH2-related disorder. Also called: KCNH2-related condition; KCNH2-related disorders.
Cardiovascular phenotype. Identifiers: MedGen CN230736.

Allele frequency attached by ClinVar (database versions not stated): gnomAD 0.00001; TOPMed 0.00001; gnomAD exomes 0.00006.
gnomAD v4.1: 12 of 1,449,234 alleles (0.00083%); highest among the groups gnomAD compares: Admixed American, 0.022%; 1 homozygote.

Submissions (4):

CeGaT Center for Human Genetics Tuebingen
Classification: Likely benign. Last evaluated: 2026-04-01. Review status: criteria provided, single submitter. Criteria: CeGaT Center For Human Genetics Tuebingen Variant Classification Criteria Version 2. Collection method: clinical testing. Allele origin: germline. Affected: yes. Observed: 1 variant allele.
Comment: KCNH2: BP4, BP7

Labcorp Genetics (formerly Invitae), Labcorp
Classification: Likely benign for Long QT syndrome. Last evaluated: 2025-07-07. Review status: criteria provided, single submitter. Criteria: Invitae Variant Classification Sherloc (09022015). Collection method: clinical testing. Allele origin: germline.

Ambry Genetics
Classification: Likely benign for Cardiovascular phenotype. Last evaluated: 2018-09-06. Review status: criteria provided, single submitter. Criteria: Ambry Variant Classification Scheme 2023. Collection method: clinical testing. Allele origin: germline.

PreventionGenetics, part of Exact Sciences
Classification: Likely benign for KCNH2-related condition. Last evaluated: 2019-07-16. Review status: no assertion criteria provided. Collection method: clinical testing. Allele origin: germline. Not counted in ClinVar's aggregate classification.
Comment: This variant is classified as likely benign based on ACMG/AMP sequence variant interpretation guidelines (Richards et al. 2015 PMID: 25741868, with internal and published modifications).

NM_000238.4(KCNH2):c.549C>T (p.Gly183=)

Gene: KCNH2 (potassium voltage-gated channel subfamily H member 2; minus strand). Cytogenetic location: 7q36.1.
Variant type: single nucleotide variant.
Coding change: c.549C>T on transcript NM_000238.4 (MANE Select); coding-DNA position 549, C replaced by T.
Protein change: p.Gly183=; no amino-acid change (glycine 183 retained).
Molecular consequence: synonymous variant. On other transcripts: non-coding transcript variant (1).
Genome position (GRCh38, 1-based): chr7:150,958,426, G>A on the plus strand (C>T on the coding strand, the complement: KCNH2 is on the minus strand). VCF-style: chr7-150958426-G-A. GRCh37 (hg19) VCF-style: chr7-150655514-G-A.
Other names: c.261C>T, p.Gly87= (NM_001406753.1, NM_001406756.1); c.372C>T, p.Gly124= (NM_001406755.1); c.249C>T, p.Gly83= (NM_001406757.1); c.549C>T, p.Gly183= (NM_172056.3).
Identifiers: ClinVar variation 1098963 (VCV001098963.16), dbSNP rs1178361948, ClinGen allele CA458646804.